The following is an entry in ClinVar:

ClinVar aggregate classification (germline): Pathogenic (1 of 4 stars; one submission).

Conditions:
Nephrotic syndrome, type 2 (NPHS2). Also called: NEPHROTIC SYNDROME, STEROID-RESISTANT, AUTOSOMAL RECESSIVE. Identifiers: Orphanet 656, MedGen C1868672, MONDO:0010974, OMIM 600995.

Submission:

Myriad Genetics, Inc.
Classification: Pathogenic for Nephrotic syndrome, type 2. Last evaluated: 2025-03-14. Review status: criteria provided, single submitter. Criteria: Myriad Autosomal Dominant, Autosomal Recessive and X-Linked Classification Criteria (2023). Collection method: clinical testing. Allele origin: unknown.
Comment: NM_014625.2(NPHS2):c.312_313ins19(L105Wfs*4) is expected to be pathogenic in the context of nephrotic syndrome, NPHS2-related. This variant is predicted to lead to an abnormal or absent protein product due to the creation of a premature termination codon in NPHS2, a gene where loss-of-function variants are known to be pathogenic. Please note: this variant was assessed in the context of healthy population screening.

NM_014625.4(NPHS2):c.312_313insTGGGGCCTGTGAGTGGCTT (p.Leu105delinsTrpGlyLeuTer)

Gene: NPHS2 (NPHS2 stomatin family member, podocin; minus strand). Cytogenetic location: 1q25.2.
Variant type: Insertion.
Coding change: c.312_313insTGGGGCCTGTGAGTGGCTT on transcript NM_014625.4 (MANE Select); coding-DNA positions 312 to 313, TGGGGCCTGTGAGTGGCTT inserted.
Protein change: p.Leu105delinsTrpGlyLeuTer.
Molecular consequence: nonsense.
Genome position: GRCh38 VCF-style: chr1-179564755-G-GAAGCCACTCACAGGCCCCA. GRCh37 (hg19) VCF-style: chr1-179533890-G-GAAGCCACTCACAGGCCCCA.
Other names: c.312_313insTGGGGCCTGTGAGTGGCTT, p.Leu105delinsTrpGlyLeuTer (NM_001297575.2).
Identifiers: ClinVar variation 5014213 (VCV005014213.1).